The following is an entry in ClinVar:

NM_052813.5(CARD9):c.513C>T (p.Gly171=)

Gene: CARD9 (caspase recruitment domain family member 9; minus strand). Cytogenetic location: 9q34.3.
Variant type: single nucleotide variant.
Coding change: c.513C>T on transcript NM_052813.5 (MANE Select); coding-DNA position 513, C replaced by T.
Protein change: p.Gly171=; no amino-acid change (glycine 171 retained).
Molecular consequence: synonymous variant.
Genome position (GRCh38, 1-based): chr9:136,370,955, G>A on the plus strand (C>T on the coding strand, the complement: CARD9 is on the minus strand). VCF-style: chr9-136370955-G-A. GRCh37 (hg19) VCF-style: chr9-139265407-G-A.
Other names: c.513C>T, p.Gly171= (NM_052814.4).
Identifiers: ClinVar variation 914851 (VCV000914851.12), dbSNP rs78538457, ClinGen allele CA5333112.
Genomic context (GRCh38, chr9:136,370,955, plus strand): 5'-GTGCGCCAGGCGCATGGCCAGGTCGTAGTTCTCCTCCTTGCAGCGCTTGAGCTCGCGGCT[G>A]CCGGCCTCGCACTCCTCCTTGAGCCTCTGCACACGCTCCTGGTGCTTGCGCAGCAGGCTG-3'
Protein context (NP_434700.2, residues 161-181): VQRLKEECEA[Gly171=]SRELKRCKEE

ClinVar aggregate classification (germline): Benign/Likely benign. Review status: criteria provided, multiple submitters, no conflicts (2 of 4 stars). 2 submissions from 2 submitters: Benign (1); Likely benign (1). Last evaluated 2026-01-25.

Conditions:
Predisposition to invasive fungal disease due to CARD9 deficiency (IMD103). Also called: CARD9 IMMUNODEFICIENCY; IMMUNODEFICIENCY 103, SUSCEPTIBILITY TO FUNGAL INFECTIONS; Candidiasis, familial, 2, autosomal recessive. Identifiers: Orphanet 457088, MedGen C1859353, MONDO:0008905, OMIM 212050.

Allele frequency attached by ClinVar (database versions not stated): gnomAD 0.00018 and 0.00028; TOPMed 0.00035; ExAC 0.00039; gnomAD exomes 0.00054; 1000 Genomes Project 30x 0.00203; 1000 Genomes Project 0.00260.
gnomAD v4.1: 222 of 1,611,070 alleles (0.014%); highest among the groups gnomAD compares: East Asian, 0.41%; 4 homozygotes.

Submissions (2):

Labcorp Genetics (formerly Invitae), Labcorp
Classification: Benign for Predisposition to invasive fungal disease due to CARD9 deficiency. Last evaluated: 2026-01-25. Review status: criteria provided, single submitter. Criteria: Invitae Variant Classification Sherloc (09022015). Collection method: clinical testing. Allele origin: germline.

Illumina Laboratory Services, Illumina
Classification: Likely benign for Predisposition to invasive fungal disease due to CARD9 deficiency. Last evaluated: 2018-01-12. Review status: criteria provided, single submitter. Criteria: ICSL Variant Classification Criteria 13 December 2019. Collection method: clinical testing. Allele origin: germline.
Comment: This variant was observed in the ICSL laboratory as part of a predisposition screen in an ostensibly healthy population. It had not been previously curated by ICSL or reported in the Human Gene Mutation Database (HGMD: prior to June 1st, 2018), and was therefore a candidate for classification through an automated scoring system. Utilizing variant allele frequency, disease prevalence and penetrance estimates, and inheritance mode, an automated score was calculated to assess if this variant is too frequent to cause the disease. Based on the score and internal cut-off values, a variant classified as likely benign is not then subjected to further curation. The score for this variant resulted in a classification of likely benign for this disease.